The following is an entry in ClinVar:

NM_006493.4(CLN5):c.77G>C (p.Trp26Ser)

Genes: CLN5 (CLN5 lysosomal BMP synthase; plus strand), LOC130009913 (ATAC-STARR-seq lymphoblastoid silent region 5414; plus strand). Cytogenetic location: 13q22.3.
Variant type: single nucleotide variant.
Coding change: c.77G>C on transcript NM_006493.4 (MANE Select); coding-DNA position 77, G replaced by C.
Protein change: p.Trp26Ser; replaces tryptophan 26 with serine.
Molecular consequence: missense variant.
Genome position (GRCh38, 1-based): chr13:76,992,175, G>C. VCF-style: chr13-76992175-G-C. GRCh37 (hg19) VCF-style: chr13-77566310-G-C.
Other names: c.77G>C, p.Trp26Ser (NM_001366624.2); short protein forms W26S.
Identifiers: ClinVar variation 991764 (VCV000991764.8), dbSNP rs764790770, ClinGen allele CA7007118.
Genomic context (GRCh38, chr13:76,992,175, plus strand): 5'-ACACGGCACAGGGCGCCGAGATGCGGCGGGGCGCGGGCGCGGCTCGGGGACGCGCTTCCT[G>C]GTGCTGGGCCCTGGCGCTGCTTTGGCTCGCGGTGGTTCCGGGCTGGTCCCGGGTCTCGGG-3'
Protein context (NP_006484.2, residues 16-36): GAGAARGRAS[Trp26Ser]CWALALLWLA

ClinVar aggregate classification (germline): Uncertain significance. Review status: criteria provided, multiple submitters, no conflicts (2 of 4 stars). 3 submissions from 3 submitters: Uncertain significance (2). 1 of the submissions does not count toward it. Last evaluated 2022-08-21.

Conditions:
Neuronal ceroid lipofuscinosis. Also called: Neuronal Ceroid Lipofuscinoses. Identifiers: Orphanet 216, Orphanet 79263, MedGen C0027877, MONDO:0016295. Disease mechanism: loss of function.
Neuronal ceroid lipofuscinosis 5 (CLN5). Also called: Neuronal ceroid lipofuscinosis Finnish variant; NEURONAL CEROID LIPOFUSCINOSIS, LATE INFANTILE, FINNISH VARIANT; CLN5-Related Neuronal Ceroid-Lipofuscinosis; CEROID LIPOFUSCINOSIS, NEURONAL, 5, VARIABLE AGE AT ONSET. Identifiers: Orphanet 168491, Orphanet 228360, MedGen C1850442, MONDO:0009745, OMIM 256731.

Allele frequency attached by ClinVar (database versions not stated): gnomAD below 0.00001 and 0.00003; gnomAD exomes 0.00012 and 0.00022; ExAC 0.00028.
gnomAD v4.1: 173 of 1,605,378 alleles (0.011%); highest among the groups gnomAD compares: South Asian, 0.18%; 2 homozygotes.

Submissions (3):

Labcorp Genetics (formerly Invitae), Labcorp
Classification: Uncertain significance for Neuronal ceroid lipofuscinosis. Last evaluated: 2022-08-21. Review status: criteria provided, single submitter. Criteria: Invitae Variant Classification Sherloc (09022015). Collection method: clinical testing. Allele origin: germline.
Comment: This sequence change replaces tryptophan, which is neutral and slightly polar, with serine, which is neutral and polar, at codon 75 of the CLN5 protein (p.Trp75Ser). This variant is present in population databases (rs764790770, gnomAD 0.2%). This variant has not been reported in the literature in individuals affected with CLN5-related conditions. ClinVar contains an entry for this variant (Variation ID: 991764). Algorithms developed to predict the effect of missense changes on protein structure and function (SIFT, PolyPhen-2, Align-GVGD) all suggest that this variant is likely to be tolerated. In summary, the available evidence is currently insufficient to determine the role of this variant in disease. Therefore, it has been classified as a Variant of Uncertain Significance.

GeneDx
Classification: Uncertain significance. Last evaluated: 2019-11-07. Review status: criteria provided, single submitter. Criteria: GeneDx Variant Classification Process June 2021. Collection method: clinical testing. Allele origin: germline. Affected: yes.
Comment: In silico analysis, which includes protein predictors and evolutionary conservation, supports that this variant does not alter protein structure/function; Has not been previously published as pathogenic or benign to our knowledge

Natera, Inc.
Classification: Likely benign for Neuronal ceroid lipofuscinosis 5. Last evaluated: 2020-10-09. Review status: no assertion criteria provided. Collection method: clinical testing. Allele origin: germline. Not counted in ClinVar's aggregate classification.